The following is an entry in ClinVar:

ClinVar aggregate classification (germline): Uncertain significance. Review status: criteria provided, multiple submitters, no conflicts (2 of 4 stars). 4 submissions from 4 submitters: Uncertain significance (4). Last evaluated 2025-12-11.

Conditions:
Hereditary cancer-predisposing syndrome. Also called: Neoplastic Syndromes, Hereditary; Hereditary Cancer Syndrome; Tumor predisposition; Hereditary neoplastic syndrome. Identifiers: Orphanet 140162, MedGen C0027672, MeSH D009386, MONDO:0015356.
Oligodontia-cancer predisposition syndrome. Also called: TOOTH AGENESIS-COLORECTAL CANCER SYNDROME. Identifiers: Orphanet 300576, MedGen C1837750, MONDO:0012075, OMIM 608615. Disease mechanism: loss of function.

gnomAD v4.1: 1 of 1,613,838 alleles (0.000062%); no homozygotes.

Submissions (4):

Labcorp Genetics (formerly Invitae), Labcorp
Classification: Uncertain significance for Oligodontia-cancer predisposition syndrome. Last evaluated: 2025-12-11. Review status: criteria provided, single submitter. Criteria: Invitae Variant Classification Sherloc (09022015). Collection method: clinical testing. Allele origin: germline.
Comment: This sequence change replaces proline, which is neutral and non-polar, with alanine, which is neutral and non-polar, at codon 645 of the AXIN2 protein (p.Pro645Ala). This variant is not present in population databases (gnomAD no frequency). This variant has not been reported in the literature in individuals affected with AXIN2-related conditions. ClinVar contains an entry for this variant (Variation ID: 1037050). Invitae Evidence Modeling of protein sequence and biophysical properties (such as structural, functional, and spatial information, amino acid conservation, physicochemical variation, residue mobility, and thermodynamic stability) indicates that this missense variant is not expected to disrupt AXIN2 protein function with a negative predictive value of 80%. In summary, the available evidence is currently insufficient to determine the role of this variant in disease. Therefore, it has been classified as a Variant of Uncertain Significance.

Helix
Classification: Uncertain significance for Oligodontia-cancer predisposition syndrome. Last evaluated: 2025-05-13. Review status: criteria provided, single submitter. Criteria: ACMG Guidelines, 2015. Collection method: clinical testing. Allele origin: germline. Inheritance: Autosomal dominant inheritance.
Comment: This variant (NM_004655.4:c.1933C>G p.Pro645Ala) results in the substitution of proline with alanine at codon 645 in the AXIN2 protein. It is a rare variant that is absent from the large gnomAD population database (v4.1). To our knowledge, this variant has not been reported in individuals with AXIN2-related conditions. In silico prediction from REVEL (PMID: 27666373) suggests that this variant may be benign. This variant is present in ClinVar (Accession: VCV001037050.9). In conclusion, since the available evidence is limited, the clinical significance of this variant is unclear at this time. Therefore, it is classified as a Variant of Uncertain Significance.

Ambry Genetics
Classification: Uncertain significance for Hereditary cancer-predisposing syndrome. Last evaluated: 2025-01-30. Review status: criteria provided, single submitter. Criteria: Ambry Variant Classification Scheme 2023. Collection method: clinical testing. Allele origin: germline.
Comment: The p.P645A variant (also known as c.1933C>G), located in coding exon 7 of the AXIN2 gene, results from a C to G substitution at nucleotide position 1933. The proline at codon 645 is replaced by alanine, an amino acid with highly similar properties. This amino acid position is conserved. In addition, this alteration is predicted to be tolerated by in silico analysis. Since supporting evidence is limited at this time, the clinical significance of this alteration remains unclear.

Women's Health and Genetics/Laboratory Corporation of America, LabCorp
Classification: Uncertain significance. Last evaluated: 2022-04-19. Review status: criteria provided, single submitter. Criteria: LabCorp Variant Classification Summary - May 2015. Collection method: clinical testing. Allele origin: germline.
Comment: Variant summary: AXIN2 c.1933C>G (p.Pro645Ala) results in a non-conservative amino acid change in the encoded protein sequence. Four of five in-silico tools predict a benign effect of the variant on protein function. The variant was absent in 245166 control chromosomes. The available data on variant occurrences in the general population are insufficient to allow any conclusion about variant significance. To our knowledge, no occurrence of c.1933C>G in individuals affected with Colorectal Cancer and no experimental evidence demonstrating its impact on protein function have been reported. One clinical diagnostic laboratory has submitted clinical-significance assessments for this variant to ClinVar after 2014 without evidence for independent evaluation. One laboratory classified the variant as uncertain significance. Based on the evidence outlined above, the variant was classified as uncertain significance.

NM_004655.4(AXIN2):c.1933C>G (p.Pro645Ala)

Gene: AXIN2 (axin 2; minus strand). Cytogenetic location: 17q24.1.
Variant type: single nucleotide variant.
Coding change: c.1933C>G on transcript NM_004655.4 (MANE Select); coding-DNA position 1933, C replaced by G.
Protein change: p.Pro645Ala; replaces proline 645 with alanine.
Molecular consequence: missense variant.
Genome position (GRCh38, 1-based): chr17:65,536,528, G>C on the plus strand (C>G on the coding strand, the complement: AXIN2 is on the minus strand). VCF-style: chr17-65536528-G-C. GRCh37 (hg19) VCF-style: chr17-63532646-G-C.
Other names: c.1738C>G, p.Pro580Ala (NM_001363813.1); short protein forms P645A, P580A.
Identifiers: ClinVar variation 1037050 (VCV001037050.10), dbSNP rs1405864888, ClinGen allele CA400676305.
Genomic context (GRCh38, chr17:65,536,528, plus strand): 5'-CCCCCCACAGATGGTGCCGGCTGGCTCGTTCGCCTGGAGACGAGCGGGCAGACTCCAAGG[G>C]GTAGGCCTTTTTTGTGCTTTGGGCACTAAACAAGGAATGAGCAGAGAGAAAACAGAAGGA-3'
Protein context (NP_004646.3, residues 635-655): HSAQSTKKAY[Pro645Ala]LESARSSPGE